The following is an entry in ClinVar:

ClinVar aggregate classification (germline): Uncertain significance (1 of 4 stars; one submission).

Conditions:
Progressive sclerosing poliodystrophy (MTDPS4A). Also called: ALPERS PROGRESSIVE INFANTILE POLIODYSTROPHY; NEURONAL DEGENERATION OF CHILDHOOD WITH LIVER DISEASE, PROGRESSIVE; Alpers Syndrome; ALPERS DIFFUSE DEGENERATION OF CEREBRAL GRAY MATTER WITH HEPATIC CIRRHOSIS; Alpers-Huttenlocher Syndrome; Mitochondrial DNA depletion syndrome 4A (Alpers type). Identifiers: Orphanet 726, MedGen C0205710, MONDO:0008758, OMIM 203700.

Submission:

Labcorp Genetics (formerly Invitae), Labcorp
Classification: Uncertain significance for Progressive sclerosing poliodystrophy. Last evaluated: 2024-05-17. Review status: criteria provided, single submitter. Criteria: Invitae Variant Classification Sherloc (09022015). Collection method: clinical testing. Allele origin: germline.
Comment: This sequence change replaces glycine, which is neutral and non-polar, with aspartic acid, which is acidic and polar, at codon 329 of the POLG protein (p.Gly329Asp). This variant is not present in population databases (gnomAD no frequency). This variant has not been reported in the literature in individuals affected with POLG-related conditions. Advanced modeling of protein sequence and biophysical properties (such as structural, functional, and spatial information, amino acid conservation, physicochemical variation, residue mobility, and thermodynamic stability) performed at Invitae indicates that this missense variant is not expected to disrupt POLG protein function with a negative predictive value of 95%. In summary, the available evidence is currently insufficient to determine the role of this variant in disease. Therefore, it has been classified as a Variant of Uncertain Significance.

NM_002693.3(POLG):c.986G>A (p.Gly329Asp)

Gene: POLG (DNA polymerase gamma, catalytic subunit; minus strand). Cytogenetic location: 15q26.1.
Variant type: single nucleotide variant.
Coding change: c.986G>A on transcript NM_002693.3 (MANE Select); coding-DNA position 986, G replaced by A.
Protein change: p.Gly329Asp; replaces glycine 329 with aspartic acid.
Molecular consequence: missense variant.
Genome position (GRCh38, 1-based): chr15:89,328,980, C>T on the plus strand (G>A on the coding strand, the complement: POLG is on the minus strand). VCF-style: chr15-89328980-C-T. GRCh37 (hg19) VCF-style: chr15-89872211-C-T.
Other names: c.986G>A, p.Gly329Asp (NM_001126131.2); short protein forms G329D.
Identifiers: ClinVar variation 3636647 (VCV003636647.2).
Genomic context (GRCh38, chr15:89,328,980, plus strand): 5'-GCCCACCGGCAGTGTGCTCTCACCGCTGGGCCTCTTCTGGCTTTCCTCTGGGACTTCTGG[C>T]CTTGCTTTGTGGGGGGCTGGACCTTGTGTTTGCCCTGCTTGGCTGCTATCCACAGACTGC-3'
Protein context (NP_002684.1, residues 319-339): KHKVQPPTKQ[Gly329Asp]QKSQRKARRG